The following is an entry in ClinVar:

ClinVar aggregate classification (germline): Likely pathogenic (1 of 4 stars; one submission).

Conditions:
Familial hypoparathyroidism. Also called: Familial isolated hypoparathyroidism. Identifiers: Orphanet 2238, MedGen C1832648, MONDO:0016390.

Submission:

Women's Health and Genetics/Laboratory Corporation of America, LabCorp
Classification: Likely pathogenic for Autosomal Dominant Hypocalcemia. Last evaluated: 2011-08-18. Review status: criteria provided, single submitter. Criteria: LabCorp Variant Classification Summary - May 2015. Collection method: curation. Allele origin: germline. Inheritance: autosomal unknown. Affected: yes.
ClinVar note: Converted during submission from likely pathogenic to Likely pathogenic.

NM_000388.4(CASR):c.1934C>A (p.Ala645Asp)

Gene: CASR (calcium sensing receptor; plus strand). Cytogenetic location: 3q21.1.
Variant type: single nucleotide variant.
Coding change: c.1934C>A on transcript NM_000388.4 (MANE Select); coding-DNA position 1934, C replaced by A.
Protein change: p.Ala645Asp; replaces alanine 645 with aspartic acid.
Molecular consequence: missense variant.
Genome position (GRCh38, 1-based): chr3:122,283,888, C>A. VCF-style: chr3-122283888-C-A. GRCh37 (hg19) VCF-style: chr3-122002735-C-A.
Other names: c.1964C>A, p.Ala655Asp (NM_001178065.2); short protein forms A645D, A655D.
Identifiers: ClinVar variation 35785 (VCV000035785.3), dbSNP rs193922430, ClinGen allele CA213575.